The following is an entry in ClinVar:

ClinVar aggregate classification (germline): Uncertain significance (1 of 4 stars; one submission).

Allele frequency attached by ClinVar (database versions not stated): TOPMed below 0.00001; gnomAD exomes 0.00002.
gnomAD v4.1: 16 of 1,614,062 alleles (0.00099%); highest among the groups gnomAD compares: Non-Finnish European, 0.0014%; no homozygotes.

Submission:

Labcorp Genetics (formerly Invitae), Labcorp
Classification: Uncertain significance. Last evaluated: 2022-02-09. Review status: criteria provided, single submitter. Criteria: Invitae Variant Classification Sherloc (09022015). Collection method: clinical testing. Allele origin: germline.
Comment: Algorithms developed to predict the effect of missense changes on protein structure and function are either unavailable or do not agree on the potential impact of this missense change (SIFT: "Tolerated"; PolyPhen-2: "Possibly Damaging"; Align-GVGD: "Class C0"). In summary, the available evidence is currently insufficient to determine the role of this variant in disease. Therefore, it has been classified as a Variant of Uncertain Significance. This variant has not been reported in the literature in individuals affected with CDC6-related conditions. This variant is not present in population databases (gnomAD no frequency). This sequence change replaces threonine, which is neutral and polar, with arginine, which is basic and polar, at codon 530 of the CDC6 protein (p.Thr530Arg).

NM_001254.4(CDC6):c.1589C>G (p.Thr530Arg)

Gene: CDC6 (cell division cycle 6; plus strand). Cytogenetic location: 17q21.2.
Variant type: single nucleotide variant.
Coding change: c.1589C>G on transcript NM_001254.4 (MANE Select); coding-DNA position 1589, C replaced by G.
Protein change: p.Thr530Arg; replaces threonine 530 with arginine.
Molecular consequence: missense variant.
Genome position (GRCh38, 1-based): chr17:40,301,604, C>G. VCF-style: chr17-40301604-C-G. GRCh37 (hg19) VCF-style: chr17-38457856-C-G.
Other names: short protein forms T530R.
Identifiers: ClinVar variation 1927730 (VCV001927730.5), dbSNP rs2032941783, ClinGen allele CA399336413.